The following is an entry in ClinVar:

ClinVar aggregate classification (germline): Uncertain significance (1 of 4 stars; one submission).

Conditions:
Dilated cardiomyopathy 1G (CMD1G). Identifiers: Orphanet 154, MedGen C1858763, MONDO:0011400, OMIM 604145.
Autosomal recessive limb-girdle muscular dystrophy type 2J (LGMDR10). Also called: Limb-girdle muscular dystrophy, type 2J; MUSCULAR DYSTROPHY, LIMB-GIRDLE, AUTOSOMAL RECESSIVE 10. Identifiers: Orphanet 140922, MedGen C1837342, MONDO:0012127, OMIM 608807.

gnomAD v4.1: 1 of 1,613,802 alleles (0.000062%); highest among the groups gnomAD compares: Non-Finnish European, 0.000085%; no homozygotes.

Submission:

Labcorp Genetics (formerly Invitae), Labcorp
Classification: Uncertain significance for Dilated cardiomyopathy 1G; Autosomal recessive limb-girdle muscular dystrophy type 2J. Last evaluated: 2024-12-18. Review status: criteria provided, single submitter. Criteria: Invitae Variant Classification Sherloc (09022015). Collection method: clinical testing. Allele origin: germline.
Comment: This sequence change falls in intron 2 of the TTN gene. It does not directly change the encoded amino acid sequence of the TTN protein. It affects a nucleotide within the consensus splice site. This variant is not present in population databases (gnomAD no frequency). This variant has not been reported in the literature in individuals affected with TTN-related conditions. Variants that disrupt the consensus splice site are a relatively common cause of aberrant splicing (PMID: 17576681, 9536098). Algorithms developed to predict the effect of sequence changes on RNA splicing suggest that this variant may disrupt the consensus splice site. This variant is located in the Z band of TTN (PMID: 25589632). Non-truncating variants in this region may be clinically relevant, but have not been definitively shown to cause cardiomyopathy or neuromuscular disease (PMID: 27493940, 32778822). In summary, the available evidence is currently insufficient to determine the role of this variant in disease. Therefore, it has been classified as a Variant of Uncertain Significance.

Literature cited by the submitters: PubMed 17576681; PubMed 9536098; PubMed 25589632; PubMed 27493940; PubMed 32778822.

NM_001267550.2(TTN):c.91+5G>C

Gene: TTN (titin; minus strand). Cytogenetic location: 2q31.2.
Variant type: single nucleotide variant.
Coding change: c.91+5G>C on transcript NM_001267550.2 (MANE Select); 5 bases into the intron after coding-DNA position 91, G replaced by C.
Molecular consequence: intron variant.
Genome position (GRCh38, 1-based): chr2:178,804,547, C>G on the plus strand (G>C on the coding strand, the complement: TTN is on the minus strand). VCF-style: chr2-178804547-C-G. GRCh37 (hg19) VCF-style: chr2-179669274-C-G.
Other names: c.91+5G>C (NM_003319.4, NM_133437.4, NM_133432.3 and 3 more transcripts).
Identifiers: ClinVar variation 3760096 (VCV003760096.2).
Genomic context (GRCh38, chr2:178,804,547, plus strand): 5'-CAACGTTAACTTACTGGAGAGGAGGCAAAGGAAAAAAAAACAAAAGTGTGAATGTGTGAG[C>G]TTACCACTAATGTGAGCCTCAAAGGTTGCGGTACTACCCTCCAGTACCACAACGCTTTGT-3'